The following is an entry in ClinVar:

NM_001379081.2(FREM1):c.3094G>A (p.Val1032Met)

Gene: FREM1 (FRAS1 related extracellular matrix 1; minus strand). Cytogenetic location: 9p22.3.
Variant type: single nucleotide variant.
Coding change: c.3094G>A on transcript NM_001379081.2 (MANE Select); coding-DNA position 3094, G replaced by A.
Protein change: p.Val1032Met; replaces valine 1032 with methionine.
Molecular consequence: missense variant. On other transcripts: non-coding transcript variant (2).
Genome position (GRCh38, 1-based): chr9:14,806,841, C>T on the plus strand (G>A on the coding strand, the complement: FREM1 is on the minus strand). VCF-style: chr9-14806841-C-T. GRCh37 (hg19) VCF-style: chr9-14806839-C-T.
Other names: c.3094G>A, p.Val1032Met (NM_144966.7); c.3094G>A (NM_144966.5); short protein forms V1032M.
Identifiers: ClinVar variation 1430678 (VCV001430678.7), dbSNP rs544959201, ClinGen allele CA4990681.

ClinVar aggregate classification (germline): Conflicting classifications of pathogenicity. Review status: criteria provided, conflicting classifications (1 of 4 stars). 3 submissions from 3 submitters: Uncertain significance (2); Likely benign (1). Last evaluated 2024-05-25.

Conditions:
BNAR syndrome. Also called: Bifid Nose With or Without Anorectal and Renal Anomalies (BNAR) Syndrome. Identifiers: Orphanet 217266, MedGen C2750433, MONDO:0012165, OMIM 608980.
Oculotrichoanal syndrome (MOTA). Also called: MARLES SYNDROME; Manitoba Oculotrichoanal (MOTA) Syndrome. Identifiers: Orphanet 2717, MedGen C1855425, MONDO:0009560, OMIM 248450.
Trigonocephaly 2 (TRIGNO2). Identifiers: Orphanet 3366, MedGen C3280974, MONDO:0013774, OMIM 614485.
Inborn genetic diseases. Identifiers: MedGen C0950123, MeSH D030342.

Allele frequency attached by ClinVar (database versions not stated): gnomAD 0.00004 and 0.00005; TOPMed 0.00004; 1000 Genomes Project 0.00020; 1000 Genomes Project 30x 0.00031; gnomAD exomes 0.00008 and 0.00002; ExAC 0.00011.
gnomAD v4.1: 37 of 1,592,652 alleles (0.0023%); highest among the groups gnomAD compares: East Asian, 0.025%; no homozygotes.

Submissions (3):

Fulgent Genetics
Classification: Uncertain significance for Oculotrichoanal syndrome; BNAR syndrome; Trigonocephaly 2. Last evaluated: 2024-05-25. Review status: criteria provided, single submitter. Criteria: ACMG Guidelines, 2015. Collection method: clinical testing. Allele origin: germline.

Ambry Genetics
Classification: Likely benign for Inborn genetic diseases. Last evaluated: 2022-05-13. Review status: criteria provided, single submitter. Criteria: Ambry Variant Classification Scheme 2023. Collection method: clinical testing. Allele origin: germline.

Labcorp Genetics (formerly Invitae), Labcorp
Classification: Uncertain significance. Last evaluated: 2021-08-14. Review status: criteria provided, single submitter. Criteria: Invitae Variant Classification Sherloc (09022015). Collection method: clinical testing. Allele origin: germline.
Comment: This sequence change replaces valine with methionine at codon 1032 of the FREM1 protein (p.Val1032Met). The valine residue is weakly conserved and there is a small physicochemical difference between valine and methionine. This variant is present in population databases (rs544959201, ExAC 0.08%). This variant has not been reported in the literature in individuals affected with FREM1-related conditions. Algorithms developed to predict the effect of missense changes on protein structure and function output the following: SIFT: "Tolerated"; PolyPhen-2: "Benign"; Align-GVGD: "Class C0". The methionine amino acid residue is found in multiple mammalian species, which suggests that this missense change does not adversely affect protein function. In summary, the available evidence is currently insufficient to determine the role of this variant in disease. Therefore, it has been classified as a Variant of Uncertain Significance.